The following is an entry in ClinVar:

NM_001351132.2(PEX5):c.147+77_147+121del

Gene: PEX5 (peroxisomal biogenesis factor 5; plus strand). Cytogenetic location: 12p13.31.
Variant type: Microsatellite.
Coding change: c.147+77_147+121del on transcript NM_001351132.2 (MANE Select); bases 77 to 121 of the intron after coding-DNA position 147, 45 bases deleted.
Molecular consequence: splice donor variant.
Genome position (GRCh38, 1-based): chr12:7,190,601-7,190,645, 45 bases deleted; deleting any 45 consecutive bases within chr12:7,190,513-7,190,645 gives the same sequence; the c. name uses the placement nearest the transcript's 3' end. GRCh37 (hg19), VCF-style position (the base before the change): chr12:7,343,108.
Other names: p.?; c.147+77_147+121del (NM_001351124.3, NM_001131026.2, NM_001351131.2 and 19 more transcripts); c.192+32_192+76del (NM_001351135.3, NM_001131023.2, NM_001351138.2 and 1 more transcripts); c.147+39_147+83del (NM_001351132.2).
Identifiers: ClinVar variation 768511 (VCV000768511.19), ClinGen allele CA6426006.
Genomic context (GRCh38, chr12:7,190,512, plus strand): 5'-CCAGGACAAGGCCCTTCGGCAGGAGGGATTGAGGCCTGGCCCCTGGCCCCCCGGAGCCCC[GGCCTCTGAGGCAGTGAGTGTTCTTGAGGTGGAAAGCCCAGGTGCA>G]GCCTCTGAGGCAGTGAGTGTTCTTGAGGTGGAAAGCCCAGGTGCAGCCTCTGAGGCAGTG-3'

ClinVar aggregate classification (germline): Conflicting classifications of pathogenicity. Review status: criteria provided, conflicting classifications (1 of 4 stars). 10 submissions from 8 submitters: Uncertain significance (1); Benign (8); Likely benign (1). Last evaluated 2026-02-02.

Conditions:
Rhizomelic chondrodysplasia punctata type 5 (RCDP5). Identifiers: Orphanet 468717, MedGen C4225237, MONDO:0014743, OMIM 616716.
Peroxisome biogenesis disorder 2B (PBD2B). Identifiers: Orphanet 44, MedGen C3550234, MONDO:0008736, OMIM 202370.
Peroxisome biogenesis disorder 2A (Zellweger) (PBD2A). Also called: Cerebrohepatorenal syndrome, variant types. Identifiers: Orphanet 912, MedGen C3550273, MONDO:0008954, OMIM 214110.

Submissions (10):

Labcorp Genetics (formerly Invitae), Labcorp
Classification: Likely benign for Peroxisome biogenesis disorder 2B. Last evaluated: 2026-02-02. Review status: criteria provided, single submitter. Criteria: Invitae Variant Classification Sherloc (09022015). Collection method: clinical testing. Allele origin: germline.

Mayo Clinic Laboratories, Mayo Clinic
Classification: Benign. Last evaluated: 2025-12-11. Review status: criteria provided, single submitter. Criteria: ACMG Guidelines, 2015. Collection method: clinical testing. Allele origin: germline. Observed: 602 variant alleles.
Comment: BA1

Laboratory of Genetics, Children's Clinical University Hospital Latvia
Classification: Benign. Last evaluated: 2025-02-16. Review status: criteria provided, single submitter. Criteria: ACMG Guidelines, 2015. Collection method: clinical testing. Allele origin: germline. Affected: yes.

Genomic Medicine Center of Excellence, King Faisal Specialist Hospital and Research Centre
Classification: Benign for Rhizomelic chondrodysplasia punctata type 5. Last evaluated: 2024-12-17. Review status: criteria provided, single submitter. Criteria: ACMG Guidelines, 2015. Collection method: clinical testing. Allele origin: germline.

Blueprint Genetics
Classification: Benign. Last evaluated: 2024-11-27. Review status: criteria provided, single submitter. Criteria: ACMG Guidelines, 2015. Collection method: clinical testing. Allele origin: germline.

Genome-Nilou Lab
Classification: Benign for Peroxisome biogenesis disorder 2A (Zellweger). Last evaluated: 2021-09-05. Review status: criteria provided, single submitter. Criteria: ACMG Guidelines, 2015. Collection method: clinical testing. Allele origin: germline. Affected: no.

Genome-Nilou Lab
Classification: Benign for Peroxisome biogenesis disorder 2B. Last evaluated: 2021-09-05. Review status: criteria provided, single submitter. Criteria: ACMG Guidelines, 2015. Collection method: clinical testing. Allele origin: germline. Affected: no.

Genome-Nilou Lab
Classification: Benign for Rhizomelic chondrodysplasia punctata type 5. Last evaluated: 2021-09-05. Review status: criteria provided, single submitter. Criteria: ACMG Guidelines, 2015. Collection method: clinical testing. Allele origin: germline. Affected: no.

GeneDx
Classification: Benign. Last evaluated: 2019-08-10. Review status: criteria provided, single submitter. Criteria: GeneDx Variant Classification Process June 2021. Collection method: clinical testing. Allele origin: germline. Affected: yes.

Institute of Human Genetics, University of Leipzig Medical Center
Classification: Uncertain significance for Peroxisome biogenesis disorder 2B. Last evaluated: 2018-10-01. Review status: criteria provided, single submitter. Criteria: ACMG Guidelines, 2015. Collection method: clinical testing. Allele origin: germline. Affected: yes. Observed: 1 variant allele.